The following is an entry in ClinVar:

NM_000257.4(MYH7):c.2429C>T (p.Ser810Phe)

Genes: MYH7 (myosin heavy chain 7; minus strand), LOC126861898 (BRD4-independent group 4 enhancer GRCh37_chr14:23893609-23894808; plus strand). Cytogenetic location: 14q11.2.
Variant type: single nucleotide variant.
Coding change: c.2429C>T on transcript NM_000257.4 (MANE Select); coding-DNA position 2429, C replaced by T.
Protein change: p.Ser810Phe; replaces serine 810 with phenylalanine.
Molecular consequence: missense variant.
Genome position (GRCh38, 1-based): chr14:23,425,019, G>A on the plus strand (C>T on the coding strand, the complement: MYH7 is on the minus strand). VCF-style: chr14-23425019-G-A. GRCh37 (hg19) VCF-style: chr14-23894228-G-A.
Other names: c.2429C>T, p.Ser810Phe (NM_001407004.1); short protein forms S810F.
Identifiers: ClinVar variation 2051521 (VCV002051521.4), dbSNP rs2502284391, ClinGen allele CA389048425.

ClinVar aggregate classification (germline): Uncertain significance (1 of 4 stars; one submission).

Conditions:
Hypertrophic cardiomyopathy. Also called: HYPERTROPHIC MYOCARDIOPATHY. Identifiers: Orphanet 217569, MedGen C0007194, MeSH D002312, MONDO:0005045, HP:0001639.

Submission:

Labcorp Genetics (formerly Invitae), Labcorp
Classification: Uncertain significance for Hypertrophic cardiomyopathy. Last evaluated: 2021-12-21. Review status: criteria provided, single submitter. Criteria: Invitae Variant Classification Sherloc (09022015). Collection method: clinical testing. Allele origin: germline.
Comment: This variant is found within a region of MYH7 between codons 181 and 937 that contains the majority of the myosin head domain. Missense variants in this region have been shown to be significantly overrepresented in individuals with hypertrophic cardiomyopathy (PMID: 27532257). Algorithms developed to predict the effect of missense changes on protein structure and function are either unavailable or do not agree on the potential impact of this missense change (SIFT: "Deleterious"; PolyPhen-2: "Probably Damaging"; Align-GVGD: "Class C15"). This variant has not been reported in the literature in individuals affected with MYH7-related conditions. This variant is not present in population databases (gnomAD no frequency). This sequence change replaces serine, which is neutral and polar, with phenylalanine, which is neutral and non-polar, at codon 810 of the MYH7 protein (p.Ser810Phe). In summary, the available evidence is currently insufficient to determine the role of this variant in disease. Therefore, it has been classified as a Variant of Uncertain Significance.

Literature cited by the submitters: PubMed 27532257.